The following is an entry in ClinVar:

NM_001876.4(CPT1A):c.946C>T (p.Arg316Trp)

Gene: CPT1A (carnitine palmitoyltransferase 1A; minus strand). Cytogenetic location: 11q13.3.
Variant type: single nucleotide variant.
Coding change: c.946C>T on transcript NM_001876.4 (MANE Select); coding-DNA position 946, C replaced by T.
Protein change: p.Arg316Trp; replaces arginine 316 with tryptophan.
Molecular consequence: missense variant.
Genome position (GRCh38, 1-based): chr11:68,793,336, G>A on the plus strand (C>T on the coding strand, the complement: CPT1A is on the minus strand). VCF-style: chr11-68793336-G-A. GRCh37 (hg19) VCF-style: chr11-68560804-G-A.
Other names: c.946C>T (NM_001876.3); c.946C>T, p.Arg316Trp (NM_001031847.3); short protein forms R316W.
Identifiers: ClinVar variation 3769146 (VCV003769146.5).

ClinVar aggregate classification (germline): Conflicting classifications of pathogenicity. Review status: criteria provided, conflicting classifications (1 of 4 stars). 3 submissions from 3 submitters: Likely pathogenic (1); Uncertain significance (2). Last evaluated 2026-06-05.

Conditions:
Carnitine palmitoyl transferase 1A deficiency. Also called: CPT deficiency, hepatic, type IA; Carnitine palmitoyltransferase 1A deficiency; CPT I DEFICIENCY; CPT DEFICIENCY, HEPATIC, TYPE I; Carnitine palmitoyltransferase type I deficiency. Identifiers: Orphanet 156, MedGen C1829703, MONDO:0009705, OMIM 255120.

Submissions (3):

Myriad Genetics, Inc.
Classification: Uncertain significance for Carnitine palmitoyl transferase 1A deficiency. Last evaluated: 2026-06-05. Review status: criteria provided, single submitter. Criteria: Myriad Autosomal Dominant, Autosomal Recessive and X-Linked Classification Criteria (2023). Collection method: clinical testing. Allele origin: unknown.
Comment: NM_001876.3(CPT1A):c.946C>T(R316W) is a missense variant classified as a variant of uncertain significance in the context of carnitine palmitoyltransferase IA deficiency. R316W has been observed in a case with relevant disease (PMID: 33845545). Relevant functional assessments of this variant are not available in the literature. R316W has not been observed in referenced population frequency databases. In summary, there is insufficient evidence to classify NM_001876.3(CPT1A):c.946C>T(R316W) as pathogenic or benign. Please note: this variant was assessed in the context of healthy population screening.

GeneDx
Classification: Likely pathogenic. Last evaluated: 2025-11-16. Review status: criteria provided, single submitter. Criteria: GeneDx Variant Classification Process June 2021. Collection method: clinical testing. Allele origin: germline.
Comment: Not observed at significant frequency in large population cohorts (gnomAD); In silico analysis supports that this missense variant has a deleterious effect on protein structure/function; This variant is associated with the following publications: (PMID: 33845545, 34869124, 33072985)

Women's Health and Genetics/Laboratory Corporation of America, LabCorp
Classification: Uncertain significance. Last evaluated: 2025-01-13. Review status: criteria provided, single submitter. Criteria: LabCorp Variant Classification Summary - May 2015. Collection method: clinical testing. Allele origin: germline.
Comment: Variant summary: CPT1A c.946C>T (p.Arg316Trp) results in a non-conservative amino acid change located in the Choline/Carnitine o-acyltransferase domain of the encoded protein sequence. Five of five in-silico tools predict a damaging effect of the variant on protein function. The frequency data for this variant in gnomAD is considered unreliable, as metrics indicate poor data quality at this position. c.946C>T has been reported in the literature in individuals affected with Carnitine Palmitoyltransferase I Deficiency (example: Zhang_FrontPediatr_2021, Yu_ZhonghuaYiXueZaZhi_2021). These report(s) do not provide unequivocal conclusions about association of the variant with Carnitine Palmitoyltransferase I Deficiency. To our knowledge, no experimental evidence demonstrating an impact on protein function has been reported. The following publications have been ascertained in the context of this evaluation (PMID: 33845545, 34869124). No submitters have cited clinical-significance assessments for this variant to ClinVar. Based on the evidence outlined above, the variant was classified as uncertain significance.

Literature cited by the submitters: PubMed 33845545 (cited by Myriad Genetics, Inc. and Women's Health and Genetics/Laboratory Corporation of America, LabCorp); PubMed 34869124 (cited by Women's Health and Genetics/Laboratory Corporation of America, LabCorp).